The following is an entry in ClinVar:

NM_001271.4(CHD2):c.3355_3356del (p.Arg1119fs)

Gene: CHD2 (chromodomain helicase DNA binding protein 2; plus strand). Cytogenetic location: 15q26.1.
Variant type: Deletion.
Coding change: c.3355_3356del on transcript NM_001271.4 (MANE Select); coding-DNA positions 3355 to 3356, 2 bases deleted (CG; older notation c.3355_3356delCG).
Protein change: p.Arg1119fs; shifts the reading frame from arginine 1119.
Molecular consequence: frameshift variant.
Genome position (GRCh38, 1-based): chr15:92,985,615-92,985,616, CG deleted; deleting any 2 consecutive bases within chr15:92,985,614-92,985,616 gives the same sequence; the c. name uses the placement nearest the transcript's 3' end. VCF-style (leftmost placement, unchanged base first): chr15-92985613-GGC-G. GRCh37 (hg19) VCF-style: chr15-93528843-GGC-G.
Other names: short protein forms R1119fs.
Identifiers: ClinVar variation 1073543 (VCV001073543.7), dbSNP rs2141852009, ClinGen allele CA2499223185.
Genomic context (GRCh38, chr15:92,985,613, plus strand): 5'-CCTCTGCTTCTGAGAGTGAAACGGAAGACTCTGATGATGACAAGAAGCCAAAGCGCAGAG[GGC>G]GTCCGAGGAGTGTGCGGAAGGACCTCGTGGAGGGATTTACTGATGCAGAGATCCGAAGGT-3'

ClinVar aggregate classification (germline): Pathogenic (1 of 4 stars; one submission).

Conditions:
Developmental and epileptic encephalopathy 94 (DEE94). Also called: Epileptic encephalopathy, childhood-onset; CHD2-Related Neurodevelopmental Disorders. Identifiers: Orphanet 1942, Orphanet 2382, MedGen C3809278, MONDO:0014150, OMIM 615369.

Submission:

Labcorp Genetics (formerly Invitae), Labcorp
Classification: Pathogenic for Developmental and epileptic encephalopathy 94. Last evaluated: 2020-06-18. Review status: criteria provided, single submitter. Criteria: Invitae Variant Classification Sherloc (09022015). Collection method: clinical testing. Allele origin: germline.
Comment: This sequence change creates a premature translational stop signal (p.Arg1119Serfs*14) in the CHD2 gene. It is expected to result in an absent or disrupted protein product. This variant is not present in population databases (ExAC no frequency). This variant has not been reported in the literature in individuals with CHD2-related conditions. Loss-of-function variants in CHD2 are known to be pathogenic (PMID: 23708187, 24207121). For these reasons, this variant has been classified as Pathogenic.

Literature cited by the submitters: PubMed 23708187; PubMed 24207121.